The following is an entry in ClinVar:

ClinVar aggregate classification (germline): Uncertain significance. Review status: criteria provided, single submitter (1 of 4 stars). 2 submissions from 2 submitters: Uncertain significance (1). 1 of the submissions does not count toward it. Last evaluated 2024-11-04.

Conditions:
Blau syndrome (BLAUS). Also called: ARTHROCUTANEOUVEAL GRANULOMATOSIS; GRANULOMATOSIS, FAMILIAL JUVENILE SYSTEMIC; GRANULOMATOSIS, FAMILIAL, BLAU TYPE; GRANULOMATOUS INFLAMMATORY ARTHRITIS, DERMATITIS, AND UVEITIS, FAMILIAL; JABS SYNDROME. Identifiers: Orphanet 90340, MedGen C5201146, MONDO:0008523, OMIM 186580.

Allele frequency attached by ClinVar (database versions not stated): ExAC 0.00002; gnomAD exomes 0.00002 and 0.00006; gnomAD 0.00003 and 0.00004.
gnomAD v4.1: 40 of 1,613,730 alleles (0.0025%); highest among the groups gnomAD compares: Non-Finnish European, 0.00025%; no homozygotes.

Submissions (2):

Blueprint Genetics
Classification: Uncertain significance. Last evaluated: 2024-11-04. Review status: criteria provided, single submitter. Criteria: ACMG Guidelines, 2015. Collection method: clinical testing. Allele origin: germline.

Unité médicale des maladies autoinflammatoires, CHRU Montpellier
No classification provided. Condition: Sarcoidosis, early-onset. Review status: no classification provided. Collection method: not provided. Allele origin: unknown. Not counted in ClinVar's aggregate classification.
Comment: also involved in OMIM 186580 and 266600

NM_001370466.1(NOD2):c.32G>T (p.Arg11Met)

Gene: NOD2 (nucleotide binding oligomerization domain containing 2; plus strand). Cytogenetic location: 16q12.1.
Variant type: single nucleotide variant.
Coding change: c.32G>T on transcript NM_001370466.1 (MANE Select); coding-DNA position 32, G replaced by T.
Protein change: p.Arg11Met; replaces arginine 11 with methionine.
Molecular consequence: missense variant. On other transcripts: non-coding transcript variant (1).
Genome position (GRCh38, 1-based): chr16:50,699,527, G>T. VCF-style: chr16-50699527-G-T. GRCh37 (hg19) VCF-style: chr16-50733438-G-T.
Other names: c.32G>T, p.Arg11Met (NM_001293557.2); c.113G>T, p.Arg38Met (NM_022162.3); c.113G>T (LRG_177t1); short protein forms R38M, R11M.
Identifiers: ClinVar variation 97821 (VCV000097821.2), dbSNP rs104895487, ClinGen allele CA150175.